The following is an entry in ClinVar:

NM_000843.4(GRM6):c.979A>G (p.Ile327Val)

Gene: GRM6 (glutamate metabotropic receptor 6; minus strand). Cytogenetic location: 5q35.3.
Variant type: single nucleotide variant.
Coding change: c.979A>G on transcript NM_000843.4 (MANE Select); coding-DNA position 979, A replaced by G.
Protein change: p.Ile327Val; replaces isoleucine 327 with valine.
Molecular consequence: missense variant.
Genome position (GRCh38, 1-based): chr5:178,990,625, T>C on the plus strand (A>G on the coding strand, the complement: GRM6 is on the minus strand). VCF-style: chr5-178990625-T-C. GRCh37 (hg19) VCF-style: chr5-178417626-T-C.
Other names: c.979A>G (NM_000843.3); short protein forms I327V.
Identifiers: ClinVar variation 1021772 (VCV001021772.8), dbSNP rs561581872, ClinGen allele CA3594289.

ClinVar aggregate classification (germline): Uncertain significance. Review status: criteria provided, multiple submitters, no conflicts (2 of 4 stars). 2 submissions from 2 submitters: Uncertain significance (2). Last evaluated 2024-12-05.

Conditions:
Inborn genetic diseases. Identifiers: MedGen C0950123, MeSH D030342.

Allele frequency attached by ClinVar (database versions not stated): gnomAD exomes below 0.00001 and 0.00001; ExAC 0.00002; gnomAD 0.00002; TOPMed 0.00003; 1000 Genomes Project 0.00020; 1000 Genomes Project 30x 0.00031.
gnomAD v4.1: 8 of 1,613,082 alleles (0.0005%); highest among the groups gnomAD compares: African/African-American, 0.011%; no homozygotes.

Submissions (2):

Ambry Genetics
Classification: Uncertain significance for Inborn genetic diseases. Last evaluated: 2024-12-05. Review status: criteria provided, single submitter. Criteria: Ambry Variant Classification Scheme 2023. Collection method: clinical testing. Allele origin: germline.

Labcorp Genetics (formerly Invitae), Labcorp
Classification: Uncertain significance. Last evaluated: 2022-03-18. Review status: criteria provided, single submitter. Criteria: Invitae Variant Classification Sherloc (09022015). Collection method: clinical testing. Allele origin: germline.
Comment: This sequence change replaces isoleucine, which is neutral and non-polar, with valine, which is neutral and non-polar, at codon 327 of the GRM6 protein (p.Ile327Val). This variant is present in population databases (rs561581872, gnomAD 0.01%). This variant has not been reported in the literature in individuals affected with GRM6-related conditions. ClinVar contains an entry for this variant (Variation ID: 1021772). Advanced modeling of protein sequence and biophysical properties (such as structural, functional, and spatial information, amino acid conservation, physicochemical variation, residue mobility, and thermodynamic stability) performed at Invitae indicates that this missense variant is not expected to disrupt GRM6 protein function. In summary, the available evidence is currently insufficient to determine the role of this variant in disease. Therefore, it has been classified as a Variant of Uncertain Significance.